The following is an entry in ClinVar:

NM_153816.6(SNX14):c.1449-3C>G

Gene: SNX14 (sorting nexin 14; minus strand). Cytogenetic location: 6q14.3.
Variant type: single nucleotide variant.
Coding change: c.1449-3C>G on transcript NM_153816.6 (MANE Select); 3 bases into the intron before coding-DNA position 1449, C replaced by G.
Molecular consequence: intron variant.
Genome position (GRCh38, 1-based): chr6:85,538,867, G>C on the plus strand (C>G on the coding strand, the complement: SNX14 is on the minus strand). VCF-style: chr6-85538867-G-C. GRCh37 (hg19) VCF-style: chr6-86248585-G-C.
Other names: c.1158-3C>G (NM_001350543.2); c.1290-3C>G (NM_001350539.2); c.1161-3C>G (NM_001350542.2); c.1005-3C>G (NM_001350546.2, NM_001350545.2); c.399-3C>G (NM_001350547.2); c.1149-3C>G (NM_001350544.2); c.294-1943C>G (NM_001350553.2); c.294-3C>G (NM_001350549.2, NM_001350548.2, NM_001350551.2 and 2 more transcripts); and 10 more.
Identifiers: ClinVar variation 2118831 (VCV002118831.4), dbSNP rs1782737582, ClinGen allele CA2580075934.

ClinVar aggregate classification (germline): Uncertain significance (1 of 4 stars; one submission).

gnomAD v4.1: 2 of 1,593,704 alleles (0.00013%); highest among the groups gnomAD compares: Non-Finnish European, 0.00017%; no homozygotes.

Submission:

Labcorp Genetics (formerly Invitae), Labcorp
Classification: Uncertain significance. Last evaluated: 2024-12-09. Review status: criteria provided, single submitter. Criteria: Invitae Variant Classification Sherloc (09022015). Collection method: clinical testing. Allele origin: germline.
Comment: This sequence change falls in intron 15 of the SNX14 gene. It does not directly change the encoded amino acid sequence of the SNX14 protein. It affects a nucleotide within the consensus splice site. This variant is not present in population databases (gnomAD no frequency). This variant has not been reported in the literature in individuals affected with SNX14-related conditions. ClinVar contains an entry for this variant (Variation ID: 2118831). Variants that disrupt the consensus splice site are a relatively common cause of aberrant splicing (PMID: 17576681, 9536098). Algorithms developed to predict the effect of sequence changes on RNA splicing suggest that this variant may disrupt the consensus splice site. In summary, the available evidence is currently insufficient to determine the role of this variant in disease. Therefore, it has been classified as a Variant of Uncertain Significance.

Literature cited by the submitters: PubMed 17576681; PubMed 9536098.